The following is an entry in ClinVar:

ClinVar aggregate classification (germline): Uncertain significance. Review status: criteria provided, multiple submitters, no conflicts (2 of 4 stars). 3 submissions from 3 submitters: Uncertain significance (3). Last evaluated 2025-12-03.

Conditions:
Hereditary cancer-predisposing syndrome. Also called: Neoplastic Syndromes, Hereditary; Tumor predisposition; Hereditary neoplastic syndrome; Hereditary Cancer Syndrome. Identifiers: Orphanet 140162, MedGen C0027672, MeSH D009386, MONDO:0015356.
Familial adenomatous polyposis 1 (FAP1). Also called: POLYPOSIS, ADENOMATOUS INTESTINAL; FAMILIAL ADENOMATOUS POLYPOSIS 1, ATTENUATED. Identifiers: MedGen C2713442, MONDO:0021056, OMIM 175100. Disease mechanism: loss of function.

Submissions (3):

Labcorp Genetics (formerly Invitae), Labcorp
Classification: Uncertain significance for Familial adenomatous polyposis 1. Last evaluated: 2025-12-03. Review status: criteria provided, single submitter. Criteria: Invitae Variant Classification Sherloc (09022015). Collection method: clinical testing. Allele origin: germline.
Comment: This sequence change replaces proline, which is neutral and non-polar, with alanine, which is neutral and non-polar, at codon 2324 of the APC protein (p.Pro2324Ala). This variant is not present in population databases (gnomAD no frequency). This variant has not been reported in the literature in individuals affected with APC-related conditions. ClinVar contains an entry for this variant (Variation ID: 826737). Invitae Evidence Modeling of protein sequence and biophysical properties (such as structural, functional, and spatial information, amino acid conservation, physicochemical variation, residue mobility, and thermodynamic stability) indicates that this missense variant is not expected to disrupt APC protein function with a negative predictive value of 95%. In summary, the available evidence is currently insufficient to determine the role of this variant in disease. Therefore, it has been classified as a Variant of Uncertain Significance.

Women's Health and Genetics/Laboratory Corporation of America, LabCorp
Classification: Uncertain significance. Last evaluated: 2020-10-05. Review status: criteria provided, single submitter. Criteria: LabCorp Variant Classification Summary - May 2015. Collection method: clinical testing. Allele origin: germline.
Comment: Variant summary: APC c.6970C>G (p.Pro2324Ala) results in a non-conservative amino acid change in the encoded protein sequence. Four of five in-silico tools predict a damaging effect of the variant on protein function. The variant was absent in 250762 control chromosomes. The available data on variant occurrences in the general population are insufficient to allow any conclusion about variant significance. To our knowledge, no occurrence of c.6970C>G in individuals affected with Familial Adenomatous Polyposis and no experimental evidence demonstrating its impact on protein function have been reported. One clinical diagnostic laboratory has submitted clinical-significance assessments for this variant to ClinVar after 2014 without evidence for independent evaluation. One laboratory classified the variant as uncertain significance. Based on the evidence outlined above, the variant was classified as uncertain significance.

Ambry Genetics
Classification: Uncertain significance for Hereditary cancer-predisposing syndrome. Last evaluated: 2019-08-30. Review status: criteria provided, single submitter. Criteria: Ambry Variant Classification Scheme 2023. Collection method: clinical testing. Allele origin: germline.
Comment: The p.P2324A variant (also known as c.6970C>G), located in coding exon 15 of the APC gene, results from a C to G substitution at nucleotide position 6970. The proline at codon 2324 is replaced by alanine, an amino acid with highly similar properties. This amino acid position is highly conserved in available vertebrate species. In addition, in silico predictors for this gene do not accurately predict pathogenicity. Since supporting evidence is limited at this time, the clinical significance of this alteration remains unclear.

NM_000038.6(APC):c.6970C>G (p.Pro2324Ala)

Gene: APC (APC regulator of Wnt signaling pathway; plus strand). Cytogenetic location: 5q22.2.
Variant type: single nucleotide variant.
Coding change: c.6970C>G on transcript NM_000038.6 (MANE Select); coding-DNA position 6970, C replaced by G.
Protein change: p.Pro2324Ala; replaces proline 2324 with alanine.
Molecular consequence: missense variant.
Genome position (GRCh38, 1-based): chr5:112,842,564, C>G. VCF-style: chr5-112842564-C-G. GRCh37 (hg19) VCF-style: chr5-112178261-C-G.
Other names: c.6970C>G, p.Pro2324Ala (NM_001127510.3, NM_001354895.2); c.6916C>G, p.Pro2306Ala (NM_001127511.3); c.7024C>G, p.Pro2342Ala (NM_001354896.2); c.7000C>G, p.Pro2334Ala (NM_001354897.2); c.6895C>G, p.Pro2299Ala (NM_001354898.2); c.6886C>G, p.Pro2296Ala (NM_001354899.2); c.6847C>G, p.Pro2283Ala (NM_001354900.2); c.6793C>G, p.Pro2265Ala (NM_001354901.2); and 5 more; short protein forms P2198A, P2223A, P2233A, P2296A, P2306A, P2334A, P2283A, P2299A.
Identifiers: ClinVar variation 826737 (VCV000826737.7), dbSNP rs770250821, ClinGen allele CA16036530.